The following is an entry in ClinVar:

NM_006766.5(KAT6A):c.1085_1089dup (p.Arg364fs)

Gene: KAT6A (lysine acetyltransferase 6A; minus strand). Cytogenetic location: 8p11.21.
Variant type: Duplication.
Coding change: c.1085_1089dup on transcript NM_006766.5 (MANE Select); coding-DNA positions 1085 to 1089, 5 bases duplicated (GGGGT; older notation c.1085_1089dupGGGGT).
Protein change: p.Arg364fs; shifts the reading frame from arginine 364.
Molecular consequence: frameshift variant.
Genome position (GRCh38, 1-based): chr8:41,977,282-41,977,286, ACCCC duplicated on the plus strand (GGGGT on the coding strand, the reverse complement: KAT6A is on the minus strand). VCF-style (leftmost placement, unchanged base first): chr8-41977281-T-TACCCC. GRCh37 (hg19) VCF-style: chr8-41834799-T-TACCCC.
Other names: c.1085_1089dup, p.Arg364fs (NM_001305878.2); short protein forms R364fs.
Identifiers: ClinVar variation 451609 (VCV000451609.2), dbSNP rs1554688570, ClinGen allele CA658657765.

ClinVar aggregate classification (germline): Pathogenic (1 of 4 stars; one submission).

Submission:

GeneDx
Classification: Pathogenic. Last evaluated: 2017-08-21. Review status: criteria provided, single submitter. Criteria: GeneDx Variant Classification (06012015). Collection method: clinical testing. Allele origin: germline. Affected: yes.
Comment: The c.1085_1089dupGGGGT variant in the KAT6A gene has not been reported previously as a pathogenic variant nor as a benign variant, to our knowledge. This variant causes a frameshift starting with codon Arginine 364, changes this amino acid to a Glycine residue, and creates a premature Stop codon at position 23 of the new reading frame, denoted p.Arg364GlyfsX23. This variant is predicted to cause loss of normal protein function either through protein truncation or nonsense-mediated mRNA decay. The c.1085_1089dupGGGGT variant is not observed in large population cohorts (Lek et al., 2016; 1000 Genomes Consortium et al., 2015; Exome Variant Server). We interpret c.1085_1089dupGGGGT as a pathogenic variant.